The following is an entry in ClinVar:

NM_004260.4(RECQL4):c.2293T>G (p.Leu765Val)

Gene: RECQL4 (RecQ like helicase 4; minus strand). Cytogenetic location: 8q24.3.
Variant type: single nucleotide variant.
Coding change: c.2293T>G on transcript NM_004260.4 (MANE Select); coding-DNA position 2293, T replaced by G.
Protein change: p.Leu765Val; replaces leucine 765 with valine.
Molecular consequence: missense variant.
Genome position (GRCh38, 1-based): chr8:144,513,388, A>C on the plus strand (T>G on the coding strand, the complement: RECQL4 is on the minus strand). VCF-style: chr8-144513388-A-C. GRCh37 (hg19) VCF-style: chr8-145738772-A-C.
Other names: c.2293T>G, p.Leu765Val (NM_001413019.1, NM_001413036.1); c.2197T>G, p.Leu733Val (NM_001413020.1); c.1222T>G, p.Leu408Val (NM_001413021.1, NM_001413022.1, NM_001413023.1 and 5 more transcripts); c.2164T>G, p.Leu722Val (NM_001413025.1); c.1156T>G, p.Leu386Val (NM_001413027.1, NM_001413030.1, NM_001413032.1 and 1 more transcripts); c.1942T>G, p.Leu648Val (NM_001413029.1); c.1024T>G, p.Leu342Val (NM_001413031.1); c.2161T>G, p.Leu721Val (NM_001413033.1); and 4 more; short protein forms L386V, L276V, L342V, L721V, L765V, L364V, L398V, L648V.
Identifiers: ClinVar variation 2071742 (VCV002071742.4), dbSNP rs2130679305, ClinGen allele CA372678401.

ClinVar aggregate classification (germline): Uncertain significance (1 of 4 stars; one submission).

Conditions:
Baller-Gerold syndrome (BGS). Also called: CRANIOSYNOSTOSIS WITH RADIAL DEFECTS. Identifiers: Orphanet 1225, MedGen C0265308, MONDO:0009039, OMIM 218600.

Submission:

Labcorp Genetics (formerly Invitae), Labcorp
Classification: Uncertain significance for Baller-Gerold syndrome. Last evaluated: 2022-04-14. Review status: criteria provided, single submitter. Criteria: Invitae Variant Classification Sherloc (09022015). Collection method: clinical testing. Allele origin: germline.
Comment: In summary, the available evidence is currently insufficient to determine the role of this variant in disease. Therefore, it has been classified as a Variant of Uncertain Significance. This sequence change replaces leucine, which is neutral and non-polar, with valine, which is neutral and non-polar, at codon 765 of the RECQL4 protein (p.Leu765Val). This variant is not present in population databases (gnomAD no frequency). This variant has not been reported in the literature in individuals affected with RECQL4-related conditions. Experimental studies and prediction algorithms are not available or were not evaluated, and the functional significance of this variant is currently unknown. Algorithms developed to predict the effect of sequence changes on RNA splicing suggest that this variant may create or strengthen a splice site.